The following is an entry in ClinVar:

NM_000397.4(CYBB):c.418del (p.Ala140fs)

Gene: CYBB (cytochrome b-245 beta chain; plus strand). Cytogenetic location: Xp21.1.
Variant type: Deletion.
Coding change: c.418del on transcript NM_000397.4 (MANE Select); coding-DNA position 418, one base deleted (G; older notation c.418delG).
Protein change: p.Ala140fs; shifts the reading frame from alanine 140.
Molecular consequence: frameshift variant.
Genome position (GRCh38, 1-based): chrX:37,793,745, G deleted. VCF-style (leftmost placement, unchanged base first): chrX-37793744-AG-A. GRCh37 (hg19) VCF-style: chrX-37652997-AG-A.
Other names: short protein forms A140fs.
Identifiers: ClinVar variation 3026812 (VCV003026812.22), dbSNP rs2519199990, ClinGen allele CA2740092096.

ClinVar aggregate classification (germline): Pathogenic (1 of 4 stars; one submission).

Submission:

CeGaT Center for Human Genetics Tuebingen
Classification: Pathogenic. Last evaluated: 2024-03-01. Review status: criteria provided, single submitter. Criteria: CeGaT Center For Human Genetics Tuebingen Variant Classification Criteria Version 2. Collection method: clinical testing. Allele origin: germline. Affected: yes. Observed: 2 variant alleles.
Comment: CYBB: PVS1, PM2